The following is an entry in ClinVar:

ClinVar aggregate classification (germline): Uncertain significance (1 of 4 stars; one submission).

Conditions:
Hereditary hemochromatosis (HFE). Identifiers: MedGen C0392514, MONDO:0006507. Disease mechanism: loss of function.

Submission:

Labcorp Genetics (formerly Invitae), Labcorp
Classification: Uncertain significance for Hereditary hemochromatosis. Last evaluated: 2021-08-27. Review status: criteria provided, single submitter. Criteria: Invitae Variant Classification Sherloc (09022015). Collection method: clinical testing. Allele origin: germline.
Comment: This variant, c.2071_2073del, results in the deletion of 1 amino acid(s) of the TFR2 protein (p.Glu691del), but otherwise preserves the integrity of the reading frame. This variant is not present in population databases (ExAC no frequency). This variant has not been reported in the literature in individuals affected with TFR2-related conditions. Experimental studies and prediction algorithms are not available or were not evaluated, and the functional significance of this variant is currently unknown. In summary, the available evidence is currently insufficient to determine the role of this variant in disease. Therefore, it has been classified as a Variant of Uncertain Significance.

NM_003227.4(TFR2):c.2071_2073del (p.Glu691del)

Genes: TFR2 (transferrin receptor 2; minus strand), LOC113687175 (Sharpr-MPRA regulatory region 4647; plus strand). Cytogenetic location: 7q22.1.
Variant type: Deletion.
Coding change: c.2071_2073del on transcript NM_003227.4 (MANE Select); coding-DNA positions 2071 to 2073, 3 bases deleted (GAG; older notation c.2071_2073delGAG).
Protein change: p.Glu691del; deletes glutamic acid 691.
Molecular consequence: inframe deletion.
Genome position (GRCh38, 1-based): chr7:100,626,826-100,626,828, CTC deleted on the plus strand (GAG on the coding strand, the reverse complement: TFR2 is on the minus strand); deleting any 3 consecutive bases within chr7:100,626,826-100,626,830 gives the same sequence; the c. name uses the placement nearest the transcript's 3' end. VCF-style (leftmost placement, unchanged base first): chr7-100626825-TCTC-T. GRCh37 (hg19) VCF-style: chr7-100224448-TCTC-T.
Other names: c.1558_1560del, p.Glu520del (NM_001206855.3); short protein forms E520del, E691del.
Identifiers: ClinVar variation 1004585 (VCV001004585.6), dbSNP rs1803269290, ClinGen allele CA2497214298.